The following is an entry in ClinVar:

NM_000061.3(BTK):c.895-2A>T

Gene: BTK (Bruton tyrosine kinase; minus strand). Cytogenetic location: Xq22.1.
Variant type: single nucleotide variant.
Coding change: c.895-2A>T on transcript NM_000061.3 (MANE Select); the canonical splice acceptor site of the intron before coding-DNA position 895, A replaced by T.
Molecular consequence: splice acceptor variant.
Genome position (GRCh38, 1-based): chrX:101,358,698, T>A on the plus strand (A>T on the coding strand, the complement: BTK is on the minus strand). VCF-style: chrX-101358698-T-A. GRCh37 (hg19) VCF-style: chrX-100613686-T-A.
Other names: c.997-2A>T (NM_001287344.2); c.895-2A>T (NM_001287345.2).
Identifiers: ClinVar variation 2746748 (VCV002746748.3), dbSNP rs193922132, ClinGen allele CA413929448.
Genomic context (GRCh38, chrX:101,358,698, plus strand): 5'-GACACTGTATATTTGCCAGCTTTGCTGGAGTCTCTGACAATGAAACCTCCTTCTTTCCCC[T>A]GAAACAACGAAAAAGAAGCTGTCTGTAGGAGGAAGTGGTGCTCACACCTGCATCCCACCT-3'

ClinVar aggregate classification (germline): Pathogenic (1 of 4 stars; one submission).

Conditions:
X-linked agammaglobulinemia with growth hormone deficiency (IGHD3). Also called: HYPOGAMMAGLOBULINEMIA AND ISOLATED GROWTH HORMONE DEFICIENCY, X-LINKED; IGHD III; ISOLATED GROWTH HORMONE DEFICIENCY, TYPE III, WITH AGAMMAGLOBULINEMIA; Isolated growth hormone deficiency type 3; Growth hormone deficiency with hypogammaglobulinemia; AGAMMAGLOBULINEMIA AND ISOLATED GROWTH HORMONE DEFICIENCY, X-LINKED. Identifiers: Orphanet 231692, Orphanet 631, MedGen C0472813, MONDO:0010615, OMIM 307200.

Submission:

Labcorp Genetics (formerly Invitae), Labcorp
Classification: Pathogenic for X-linked agammaglobulinemia with growth hormone deficiency. Last evaluated: 2024-08-31. Review status: criteria provided, single submitter. Criteria: Invitae Variant Classification Sherloc (09022015). Collection method: clinical testing. Allele origin: germline.
Comment: This sequence change affects an acceptor splice site in intron 10 of the BTK gene. It is expected to disrupt RNA splicing. Variants that disrupt the donor or acceptor splice site typically lead to a loss of protein function (PMID: 16199547), and loss-of-function variants in BTK are known to be pathogenic (PMID: 15661032, 16862044, 19419768). This variant is not present in population databases (gnomAD no frequency). Disruption of this splice site has been observed in individuals with X-linked agammaglobulinemia (PMID: 9545398; internal data). Algorithms developed to predict the effect of sequence changes on RNA splicing suggest that this variant may disrupt the consensus splice site. For these reasons, this variant has been classified as Pathogenic.

Literature cited by the submitters: PubMed 16199547; PubMed 15661032; PubMed 16862044; PubMed 19419768; PubMed 9545398.